The following is an entry in ClinVar:

ClinVar aggregate classification (germline): Uncertain significance (1 of 4 stars; one submission).

Submission:

Labcorp Genetics (formerly Invitae), Labcorp
Classification: Uncertain significance. Last evaluated: 2018-09-12. Review status: criteria provided, single submitter. Criteria: Invitae Variant Classification Sherloc (09022015). Collection method: clinical testing. Allele origin: germline.
Comment: This variant results in a copy number gain of the genomic region encompassing the full coding sequence of the NLGN4X gene. The boundaries of this event are unknown as they extend beyond the assayed region for this gene and therefore may encompass additional genes. As the precise location of this event is unknown, it may be in tandem or it may be located elsewhere in the genome. A similar copy number variant has not been reported in the literature in individuals with NLGN4X-related disease. In summary, the available evidence is currently insufficient to determine the role of this variant in disease. Therefore, it has been classified as a Variant of Uncertain Significance.

NC_000023.10:g.(?_5810858)_(6302039_?)dup

Genes: MIR4770 (microRNA 4770; minus strand), NLGN4X (neuroligin 4 X-linked; minus strand), LOC105373156 (uncharacterized LOC105373156; plus strand). Cytogenetic location: Xp22.32-22.31.
Variant type: Duplication.
Identifiers: ClinVar variation 641557 (VCV000641557.1).